The following is an entry in ClinVar:

ClinVar aggregate classification (germline): Uncertain significance (1 of 4 stars; one submission).

Conditions:
LAMA2-related muscular dystrophy (LAMA2-RD). Also called: Laminin alpha 2-related dystrophy. Identifiers: MedGen C5679788, MONDO:0100228.

Allele frequency attached by ClinVar (database versions not stated): gnomAD exomes below 0.00001; TOPMed below 0.00001; ExAC 0.00001.
gnomAD v4.1: 1 of 1,613,998 alleles (0.000062%); highest among the groups gnomAD compares: Admixed American, 0.0017%; no homozygotes.

Submission:

Labcorp Genetics (formerly Invitae), Labcorp
Classification: Uncertain significance for LAMA2-related muscular dystrophy. Last evaluated: 2024-11-05. Review status: criteria provided, single submitter. Criteria: Invitae Variant Classification Sherloc (09022015). Collection method: clinical testing. Allele origin: germline.
Comment: This sequence change replaces lysine, which is basic and polar, with glutamine, which is neutral and polar, at codon 2071 of the LAMA2 protein (p.Lys2071Gln). This variant is present in population databases (rs754331488, gnomAD 0.003%). This variant has not been reported in the literature in individuals affected with LAMA2-related conditions. ClinVar contains an entry for this variant (Variation ID: 2158978). Invitae Evidence Modeling of protein sequence and biophysical properties (such as structural, functional, and spatial information, amino acid conservation, physicochemical variation, residue mobility, and thermodynamic stability) indicates that this missense variant is not expected to disrupt LAMA2 protein function with a negative predictive value of 95%. In summary, the available evidence is currently insufficient to determine the role of this variant in disease. Therefore, it has been classified as a Variant of Uncertain Significance.

NM_000426.4(LAMA2):c.6211A>C (p.Lys2071Gln)

Genes: LAMA2 (laminin subunit alpha 2; plus strand), LOC123864065 (Sharpr-MPRA regulatory region 661; plus strand). Cytogenetic location: 6q22.33.
Variant type: single nucleotide variant.
Coding change: c.6211A>C on transcript NM_000426.4 (MANE Select); coding-DNA position 6211, A replaced by C.
Protein change: p.Lys2071Gln; replaces lysine 2071 with glutamine.
Molecular consequence: missense variant.
Genome position (GRCh38, 1-based): chr6:129,440,941, A>C. VCF-style: chr6-129440941-A-C. GRCh37 (hg19) VCF-style: chr6-129762086-A-C.
Other names: c.6211A>C, p.Lys2071Gln (NM_001079823.2); short protein forms K2071Q.
Identifiers: ClinVar variation 2158978 (VCV002158978.4), dbSNP rs754331488, ClinGen allele CA3994134.